The following is an entry in ClinVar:

NM_024741.3(ZNF408):c.925T>G (p.Leu309Val)

Gene: ZNF408 (zinc finger protein 408; plus strand). Cytogenetic location: 11p11.2.
Variant type: single nucleotide variant.
Coding change: c.925T>G on transcript NM_024741.3 (MANE Select); coding-DNA position 925, T replaced by G.
Protein change: p.Leu309Val; replaces leucine 309 with valine.
Molecular consequence: missense variant.
Genome position (GRCh38, 1-based): chr11:46,704,625, T>G. VCF-style: chr11-46704625-T-G. GRCh37 (hg19) VCF-style: chr11-46726175-T-G.
Other names: c.901T>G, p.Leu301Val (NM_001184751.2); short protein forms L301V, L309V.
Identifiers: ClinVar variation 962282 (VCV000962282.11), dbSNP rs368603073, ClinGen allele CA5966455.

ClinVar aggregate classification (germline): Uncertain significance. Review status: criteria provided, multiple submitters, no conflicts (2 of 4 stars). 3 submissions from 3 submitters: Uncertain significance (3). Last evaluated 2024-07-26.

Conditions:
Inborn genetic diseases. Identifiers: MedGen C0950123, MeSH D030342.
Exudative vitreoretinopathy 6 (EVR6). Identifiers: Orphanet 891, MedGen C4225316, MONDO:0014652, OMIM 616468.

Allele frequency attached by ClinVar (database versions not stated): ExAC 0.00001; gnomAD 0.00002 and 0.00003; gnomAD exomes 0.00002 and 0.00007; TOPMed 0.00005; ESP Exome Variant Server 0.00008.
gnomAD v4.1: 107 of 1,613,660 alleles (0.0066%); highest among the groups gnomAD compares: Non-Finnish European, 0.0087%; no homozygotes.

Submissions (3):

Ambry Genetics
Classification: Uncertain significance for Inborn genetic diseases. Last evaluated: 2024-07-26. Review status: criteria provided, single submitter. Criteria: Ambry Variant Classification Scheme 2023. Collection method: clinical testing. Allele origin: germline.

Labcorp Genetics (formerly Invitae), Labcorp
Classification: Uncertain significance. Last evaluated: 2022-09-07. Review status: criteria provided, single submitter. Criteria: Invitae Variant Classification Sherloc (09022015). Collection method: clinical testing. Allele origin: germline.
Comment: In summary, the available evidence is currently insufficient to determine the role of this variant in disease. Therefore, it has been classified as a Variant of Uncertain Significance. Algorithms developed to predict the effect of sequence changes on RNA splicing suggest that this variant may create or strengthen a splice site. Algorithms developed to predict the effect of missense changes on protein structure and function (SIFT, PolyPhen-2, Align-GVGD) all suggest that this variant is likely to be tolerated. ClinVar contains an entry for this variant (Variation ID: 962282). This variant has not been reported in the literature in individuals affected with ZNF408-related conditions. This variant is present in population databases (rs368603073, gnomAD 0.007%). This sequence change replaces leucine, which is neutral and non-polar, with valine, which is neutral and non-polar, at codon 309 of the ZNF408 protein (p.Leu309Val).

Blueprint Genetics
Classification: Uncertain significance. Last evaluated: 2022-01-13. Review status: criteria provided, single submitter. Criteria: ACMG Guidelines, 2015. Collection method: clinical testing. Allele origin: germline.